The following is an entry in ClinVar:

ClinVar aggregate classification (germline): Uncertain significance (1 of 4 stars; one submission).

Conditions:
RASopathy. Also called: rasopathies; Noonan spectrum disorder. Identifiers: Orphanet 536391, MedGen C5555857, MONDO:0021060.

Submission:

Labcorp Genetics (formerly Invitae), Labcorp
Classification: Uncertain significance for RASopathy. Last evaluated: 2022-08-04. Review status: criteria provided, single submitter. Criteria: Invitae Variant Classification Sherloc (09022015). Collection method: clinical testing. Allele origin: germline.
Comment: In summary, the available evidence is currently insufficient to determine the role of this variant in disease. Therefore, it has been classified as a Variant of Uncertain Significance. This sequence change replaces asparagine, which is neutral and polar, with tyrosine, which is neutral and polar, at codon 665 of the SOS1 protein (p.Asn665Tyr). This variant is not present in population databases (gnomAD no frequency). This variant has not been reported in the literature in individuals affected with SOS1-related conditions. Algorithms developed to predict the effect of missense changes on protein structure and function are either unavailable or do not agree on the potential impact of this missense change (SIFT: "Tolerated"; PolyPhen-2: "Possibly Damaging"; Align-GVGD: "Class C0").

NM_005633.4(SOS1):c.1993A>T (p.Asn665Tyr)

Gene: SOS1 (SOS Ras/Rac guanine nucleotide exchange factor 1; minus strand). Cytogenetic location: 2p22.1.
Variant type: single nucleotide variant.
Coding change: c.1993A>T on transcript NM_005633.4 (MANE Select); coding-DNA position 1993, A replaced by T.
Protein change: p.Asn665Tyr; replaces asparagine 665 with tyrosine.
Molecular consequence: missense variant.
Genome position (GRCh38, 1-based): chr2:39,013,937, T>A on the plus strand (A>T on the coding strand, the complement: SOS1 is on the minus strand). VCF-style: chr2-39013937-T-A. GRCh37 (hg19) VCF-style: chr2-39241078-T-A.
Other names: c.1972A>T, p.Asn658Tyr (NM_001382394.1); c.1993A>T, p.Asn665Tyr (NM_001382395.1); short protein forms N658Y, N665Y.
Identifiers: ClinVar variation 1715001 (VCV001715001.5), dbSNP rs2529000042, ClinGen allele CA346364906.
Genomic context (GRCh38, chr2:39,013,937, plus strand): 5'-CAGGCTGTATATATTCTTTTCTAAATCTTTTCAGTTCTGCACTCAAGGGTTGATCTCCAT[T>A]CTCTATAGCTATGCGATCAGCTTCTGTTGGCTCAGGCTCTGGAATTTCAAACCTAACATA-3'
Protein context (NP_005624.2, residues 655-675): PTEADRIAIE[Asn665Tyr]GDQPLSAELK